The following is an entry in ClinVar:

NM_015272.5(RPGRIP1L):c.1280T>C (p.Leu427Pro)

Gene: RPGRIP1L (RPGRIP1 like; minus strand). Cytogenetic location: 16q12.2.
Variant type: single nucleotide variant.
Coding change: c.1280T>C on transcript NM_015272.5 (MANE Select); coding-DNA position 1280, T replaced by C.
Protein change: p.Leu427Pro; replaces leucine 427 with proline.
Molecular consequence: missense variant.
Genome position (GRCh38, 1-based): chr16:53,658,842, A>G on the plus strand (T>C on the coding strand, the complement: RPGRIP1L is on the minus strand). VCF-style: chr16-53658842-A-G. GRCh37 (hg19) VCF-style: chr16-53692754-A-G.
Other names: p.Leu427Pro; c.1280T>C, p.Leu427Pro (NM_001127897.4, NM_001308334.3, NM_001330538.2); c.1280T>C (NM_015272.4); short protein forms L427P.
Identifiers: ClinVar variation 845749 (VCV000845749.8), dbSNP rs150099624, ClinGen allele CA8057857.
Genomic context (GRCh38, chr16:53,658,842, plus strand): 5'-AATTTTATGCGTTTTTTAAGTTCATCAAGTTGTTGCTTTTGTTCCAGATACTGTAACTGT[A>G]GTTCTCTATTCTCTTGAACGAGTTTTTCATTTTGATCTTAAAAATAAAGTCCACACAATT-3'
Protein context (NP_056087.2, residues 417-437): NEKLVQENRE[Leu427Pro]QLQYLEQKQQ

ClinVar aggregate classification (germline): Uncertain significance. Review status: criteria provided, multiple submitters, no conflicts (2 of 4 stars). 6 submissions from 6 submitters: Uncertain significance (5). 1 of the submissions does not count toward it. Last evaluated 2026-04-23.

Conditions:
Meckel-Gruber syndrome. Also called: GRUBER SYNDROME; DYSENCEPHALIA SPLANCHNOCYSTICA; Dysencephalia splachnocystica. Identifiers: Orphanet 564, MedGen C0265215, MONDO:0018921.
Joubert syndrome. Also called: Familial aplasia of the vermis; JOUBERT-BOLTSHAUSER SYNDROME. Identifiers: Orphanet 475, MedGen C5979921, MONDO:0018772.
Meckel syndrome, type 5 (MKS5). Identifiers: Orphanet 564, MedGen C1969052, MONDO:0012695, OMIM 611561.
COACH syndrome 3. Identifiers: MedGen C5436841, MONDO:0030862, OMIM 619113.
Joubert syndrome 7 (JBTS7). Identifiers: Orphanet 220497, MedGen C1969053, MONDO:0012694, OMIM 611560.
RPGRIP1L-related disorder. Also called: RPGRIP1L-related disorders; RPGRIP1L-related condition. Identifiers: MedGen CN239416.

Allele frequency attached by ClinVar (database versions not stated): gnomAD 0.00006 and 0.00007; TOPMed 0.00006; ESP Exome Variant Server 0.00015; 1000 Genomes Project 30x 0.00016; 1000 Genomes Project 0.00020.

Submissions (6):

PreventionGenetics, part of Exact Sciences
Classification: Uncertain significance for RPGRIP1L-related condition. Last evaluated: 2026-04-23. Review status: criteria provided, single submitter. Criteria: ACMG Guidelines, 2015. Collection method: clinical testing. Allele origin: germline.
Comment: The RPGRIP1L c.1280T>C variant is predicted to result in the amino acid substitution p.Leu427Pro. To our knowledge, this variant has not been reported in the literature. This variant is reported in 0.0064% of alleles in individuals of European (Non-Finnish) descent in gnomAD. At this time, the clinical significance of this variant is uncertain due to the absence of conclusive functional and genetic evidence.

Mayo Clinic Laboratories, Mayo Clinic
Classification: Uncertain significance. Last evaluated: 2025-09-26. Review status: criteria provided, single submitter. Criteria: ACMG Guidelines, 2015. Collection method: clinical testing. Allele origin: germline. Observed: 1 variant allele.
Comment: PP3

GeneDx
Classification: Uncertain significance. Last evaluated: 2023-11-02. Review status: criteria provided, single submitter. Criteria: GeneDx Variant Classification Process June 2021. Collection method: clinical testing. Allele origin: germline. Affected: yes.
Comment: Has not been previously published as pathogenic or benign to our knowledge; In silico analysis supports that this missense variant has a deleterious effect on protein structure/function; Not observed at significant frequency in large population cohorts (gnomAD)

Labcorp Genetics (formerly Invitae), Labcorp
Classification: Uncertain significance for Joubert syndrome; Meckel-Gruber syndrome. Last evaluated: 2022-04-30. Review status: criteria provided, single submitter. Criteria: Invitae Variant Classification Sherloc (09022015). Collection method: clinical testing. Allele origin: germline.
Comment: This sequence change replaces leucine, which is neutral and non-polar, with proline, which is neutral and non-polar, at codon 427 of the RPGRIP1L protein (p.Leu427Pro). This variant is present in population databases (rs150099624, gnomAD 0.006%). This variant has not been reported in the literature in individuals affected with RPGRIP1L-related conditions. ClinVar contains an entry for this variant (Variation ID: 845749). Algorithms developed to predict the effect of missense changes on protein structure and function (SIFT, PolyPhen-2, Align-GVGD) all suggest that this variant is likely to be disruptive. In summary, the available evidence is currently insufficient to determine the role of this variant in disease. Therefore, it has been classified as a Variant of Uncertain Significance.

Fulgent Genetics
Classification: Uncertain significance for Joubert syndrome 7; Meckel syndrome, type 5; COACH syndrome 3. Last evaluated: 2022-02-14. Review status: criteria provided, single submitter. Criteria: ACMG Guidelines, 2015. Collection method: clinical testing. Allele origin: unknown.

Natera, Inc.
Classification: Uncertain significance for Joubert syndrome. Last evaluated: 2020-03-11. Review status: no assertion criteria provided. Collection method: clinical testing. Allele origin: germline. Not counted in ClinVar's aggregate classification.